The following is an entry in ClinVar:

NM_000206.3(IL2RG):c.594+2_594+3del

Gene: IL2RG (interleukin 2 receptor subunit gamma; minus strand). Cytogenetic location: Xq13.1.
Variant type: Microsatellite.
Coding change: c.594+2_594+3del on transcript NM_000206.3 (MANE Select); the canonical splice donor site of the intron after coding-DNA position 594 through 3 bases into the intron after coding-DNA position 594, 2 bases deleted (TG; older notation c.594+2_594+3delTG).
Molecular consequence: splice donor variant.
Genome position (GRCh38, 1-based): chrX:71,110,153-71,110,154, CA deleted on the plus strand (TG on the coding strand, the reverse complement: IL2RG is on the minus strand); deleting any 2 consecutive bases within chrX:71,110,153-71,110,156 gives the same sequence; the c. name uses the placement nearest the transcript's 3' end. VCF-style (leftmost placement, unchanged base first): chrX-71110152-TCA-T. GRCh37 (hg19) VCF-style: chrX-70330002-TCA-T.
Other names: c.594+2_594+3delTG (NM_000206.2).
Identifiers: ClinVar variation 643411 (VCV000643411.8), dbSNP rs1602289183, ClinGen allele CA915951161.

ClinVar aggregate classification (germline): Pathogenic (1 of 4 stars; one submission).

Conditions:
X-linked severe combined immunodeficiency (SCIDX1). Also called: X-Linked Combined Immunodeficiency Diseases; IMMUNODEFICIENCY 4; SCID, X-LINKED; SEVERE COMBINED IMMUNODEFICIENCY, X-LINKED, T CELL-NEGATIVE, B CELL-POSITIVE, NK CELL-NEGATIVE; T-B+ severe combined immunodeficiency due to gamma chain deficiency. Identifiers: Orphanet 276, MedGen C6022468, MONDO:0010315, OMIM 300400. Disease mechanism: loss of function.

Submission:

Labcorp Genetics (formerly Invitae), Labcorp
Classification: Pathogenic for X-linked severe combined immunodeficiency. Last evaluated: 2022-02-24. Review status: criteria provided, single submitter. Criteria: Invitae Variant Classification Sherloc (09022015). Collection method: clinical testing. Allele origin: germline.
Comment: ClinVar contains an entry for this variant (Variation ID: 643411). For these reasons, this variant has been classified as Pathogenic. Algorithms developed to predict the effect of sequence changes on RNA splicing suggest that this variant may disrupt the consensus splice site. Disruption of this splice site has been observed in individual(s) with clinical features of severe combined immunodeficiency (Invitae). This variant is not present in population databases (gnomAD no frequency). This sequence change affects a donor splice site in intron 4 of the IL2RG gene. It is expected to disrupt RNA splicing. Variants that disrupt the donor or acceptor splice site typically lead to a loss of protein function (PMID: 16199547), and loss-of-function variants in IL2RG are known to be pathogenic (PMID: 9058718, 10794430).

Literature cited by the submitters: PubMed 16199547; PubMed 9058718; PubMed 10794430.